The following is an entry in ClinVar:

ClinVar aggregate classification (germline): Uncertain significance (1 of 4 stars; one submission).

Submission:

Labcorp Genetics (formerly Invitae), Labcorp
Classification: Uncertain significance. Last evaluated: 2024-06-22. Review status: criteria provided, single submitter. Criteria: Invitae Variant Classification Sherloc (09022015). Collection method: clinical testing. Allele origin: germline.
Comment: This sequence change replaces arginine, which is basic and polar, with cysteine, which is neutral and slightly polar, at codon 194 of the TRPV6 protein (p.Arg194Cys). This variant is present in population databases (rs764436357, gnomAD 0.006%). This variant has not been reported in the literature in individuals affected with TRPV6-related conditions. Experimental studies and prediction algorithms are not available or were not evaluated, and the functional significance of this variant is currently unknown. In summary, the available evidence is currently insufficient to determine the role of this variant in disease. Therefore, it has been classified as a Variant of Uncertain Significance.

NM_018646.6(TRPV6):c.580C>T (p.Arg194Cys)

Gene: TRPV6 (transient receptor potential cation channel subfamily V member 6; minus strand). Cytogenetic location: 7q34.
Variant type: single nucleotide variant.
Coding change: c.580C>T on transcript NM_018646.6 (MANE Select); coding-DNA position 580, C replaced by T.
Protein change: p.Arg194Cys; replaces arginine 194 with cysteine.
Molecular consequence: missense variant.
Genome position (GRCh38, 1-based): chr7:142,877,169, G>A on the plus strand (C>T on the coding strand, the complement: TRPV6 is on the minus strand). VCF-style: chr7-142877169-G-A. GRCh37 (hg19) VCF-style: chr7-142574922-G-A.
Other names: short protein forms R194C.
Identifiers: ClinVar variation 3626774 (VCV003626774.2).